The following is an entry in ClinVar:

ClinVar aggregate classification (germline): Uncertain significance. Review status: criteria provided, multiple submitters, no conflicts (2 of 4 stars). 2 submissions from 2 submitters: Uncertain significance (2). Last evaluated 2026-05-24.

Conditions:
Inborn genetic diseases. Identifiers: MedGen C0950123, MeSH D030342.
Baller-Gerold syndrome (BGS). Also called: CRANIOSYNOSTOSIS WITH RADIAL DEFECTS. Identifiers: Orphanet 1225, MedGen C0265308, MONDO:0009039, OMIM 218600.

Allele frequency attached by ClinVar (database versions not stated): gnomAD exomes below 0.00001.
gnomAD v4.1: 1 of 1,486,096 alleles (0.000067%); highest among the groups gnomAD compares: South Asian, 0.0013%; no homozygotes.

Submissions (2):

Ambry Genetics
Classification: Uncertain significance for Inborn genetic diseases. Last evaluated: 2026-05-24. Review status: criteria provided, single submitter. Criteria: Ambry Variant Classification Scheme 2023. Collection method: clinical testing. Allele origin: germline.
Comment: The p.R39L variant (also known as c.116G>T), located in coding exon 2 of the RECQL4 gene, results from a G to T substitution at nucleotide position 116. The arginine at codon 39 is replaced by leucine, an amino acid with dissimilar properties. This amino acid position is conserved. In addition, the in silico prediction for this alteration is inconclusive. Based on the available evidence, the clinical significance of this variant remains unclear.

Labcorp Genetics (formerly Invitae), Labcorp
Classification: Uncertain significance for Baller-Gerold syndrome. Last evaluated: 2024-04-08. Review status: criteria provided, single submitter. Criteria: Invitae Variant Classification Sherloc (09022015). Collection method: clinical testing. Allele origin: germline.
Comment: This sequence change replaces arginine, which is basic and polar, with leucine, which is neutral and non-polar, at codon 39 of the RECQL4 protein (p.Arg39Leu). This variant is not present in population databases (gnomAD no frequency). This variant has not been reported in the literature in individuals affected with RECQL4-related conditions. ClinVar contains an entry for this variant (Variation ID: 1054263). Experimental studies and prediction algorithms are not available or were not evaluated, and the functional significance of this variant is currently unknown. In summary, the available evidence is currently insufficient to determine the role of this variant in disease. Therefore, it has been classified as a Variant of Uncertain Significance.

NM_004260.4(RECQL4):c.116G>T (p.Arg39Leu)

Genes: RECQL4 (RecQ like helicase 4; minus strand), LOC130001411 (ATAC-STARR-seq lymphoblastoid silent region 19699; plus strand). Cytogenetic location: 8q24.3.
Variant type: single nucleotide variant.
Coding change: c.116G>T on transcript NM_004260.4 (MANE Select); coding-DNA position 116, G replaced by T.
Protein change: p.Arg39Leu; replaces arginine 39 with leucine.
Molecular consequence: missense variant.
Genome position (GRCh38, 1-based): chr8:144,517,604, C>A on the plus strand (G>T on the coding strand, the complement: RECQL4 is on the minus strand). VCF-style: chr8-144517604-C-A. GRCh37 (hg19) VCF-style: chr8-145742988-C-A.
Other names: c.116G>T (NM_004260.3); short protein forms R39L.
Identifiers: ClinVar variation 1054263 (VCV001054263.4), dbSNP rs1815399637, ClinGen allele CA372693355.